The following is an entry in ClinVar:

NM_078470.6(COX15):c.*1166A>G

Gene: COX15 (cytochrome c oxidase assembly factor COX15; minus strand). Cytogenetic location: 10q24.2.
Variant type: single nucleotide variant.
Coding change: c.*1166A>G on transcript NM_078470.6 (MANE Select); 1166 bases downstream of the stop codon, A replaced by G.
Molecular consequence: 3 prime UTR variant. On other transcripts: missense variant (1), non-coding transcript variant (1), intron variant (1).
Genome position (GRCh38, 1-based): chr10:99,713,421, T>C on the plus strand (A>G on the coding strand, the complement: COX15 is on the minus strand). VCF-style: chr10-99713421-T-C. GRCh37 (hg19) VCF-style: chr10-101473178-T-C.
Other names: c.*1347A>G (NM_001320975.2); c.*1166A>G (NM_001320976.2, NM_001372025.1, NM_001372026.1); c.*385A>G (NM_001372024.1); c.*1270A>G (NM_001372027.1); c.*593A>G (NM_001372028.1); c.1160A>G, p.Asn387Ser (NM_004376.7); c.1101+2927A>G (NM_001320974.2); short protein forms N387S.
Identifiers: ClinVar variation 2174587 (VCV002174587.3), dbSNP rs146008497, ClinGen allele CA5642033.

ClinVar aggregate classification (germline): Uncertain significance. Review status: criteria provided, multiple submitters, no conflicts (2 of 4 stars). 2 submissions from 2 submitters: Uncertain significance (2). Last evaluated 2026-08-18.

Allele frequency attached by ClinVar (database versions not stated): ExAC 0.00002; ESP Exome Variant Server 0.00015.
gnomAD v4.1: 22 of 1,613,908 alleles (0.0014%); highest among the groups gnomAD compares: African/African-American, 0.028%; no homozygotes.

Submissions (2):

GeneDx
Classification: Uncertain significance. Last evaluated: 2026-08-18. Review status: criteria provided, single submitter. Criteria: GeneDx Variant Classification Process June 2021. Collection method: clinical testing. Allele origin: germline.
Comment: In silico analysis suggests that this missense variant does not alter protein structure/function; Has not been previously published as pathogenic or benign to our knowledge

Labcorp Genetics (formerly Invitae), Labcorp
Classification: Uncertain significance. Last evaluated: 2022-10-28. Review status: criteria provided, single submitter. Criteria: Invitae Variant Classification Sherloc (09022015). Collection method: clinical testing. Allele origin: germline.
Comment: This sequence change replaces asparagine, which is neutral and polar, with serine, which is neutral and polar, at codon 387 of the COX15 protein (p.Asn387Ser). This variant is present in population databases (rs146008497, gnomAD 0.02%). This variant has not been reported in the literature in individuals affected with COX15-related conditions. Algorithms developed to predict the effect of missense changes on protein structure and function are either unavailable or do not agree on the potential impact of this missense change (SIFT: "Not Available"; PolyPhen-2: "Benign"; Align-GVGD: "Not Available"). In summary, the available evidence is currently insufficient to determine the role of this variant in disease. Therefore, it has been classified as a Variant of Uncertain Significance.